The following is an entry in ClinVar:

ClinVar aggregate classification (germline): Uncertain significance (1 of 4 stars; one submission).

gnomAD v4.1: 2 of 1,612,362 alleles (0.00012%); highest among the groups gnomAD compares: Non-Finnish European, 0.00017%; no homozygotes.

Submission:

Ambry Genetics
Classification: Uncertain significance. Last evaluated: 2024-04-28. Review status: criteria provided, single submitter. Criteria: Ambry Variant Classification Scheme 2023. Collection method: clinical testing. Allele origin: germline.
Comment: The p.D527Y variant (also known as c.1579G>T), located in coding exon 14 of the RAD54L gene, results from a G to T substitution at nucleotide position 1579. The aspartic acid at codon 527 is replaced by tyrosine, an amino acid with highly dissimilar properties. This amino acid position is conserved. In addition, this alteration is predicted to be deleterious by in silico analysis. Based on the available evidence, the clinical significance of this variant remains unclear.

NM_003579.4(RAD54L):c.1579G>T (p.Asp527Tyr)

Gene: RAD54L (RAD54 like; plus strand). Cytogenetic location: 1p34.1.
Variant type: single nucleotide variant.
Coding change: c.1579G>T on transcript NM_003579.4 (MANE Select); coding-DNA position 1579, G replaced by T.
Protein change: p.Asp527Tyr; replaces aspartic acid 527 with tyrosine.
Molecular consequence: missense variant.
Genome position (GRCh38, 1-based): chr1:46,273,716, G>T. VCF-style: chr1-46273716-G-T. GRCh37 (hg19) VCF-style: chr1-46739388-G-T.
Other names: c.1579G>T, p.Asp527Tyr (NM_001142548.2); c.1039G>T, p.Asp347Tyr (NM_001370766.1); short protein forms D347Y, D527Y.
Identifiers: ClinVar variation 3312465 (VCV003312465.1).